The following is an entry in ClinVar:

NM_014918.5(CHSY1):c.1339T>C (p.Tyr447His)

Gene: CHSY1 (chondroitin sulfate synthase 1; minus strand). Cytogenetic location: 15q26.3.
Variant type: single nucleotide variant.
Coding change: c.1339T>C on transcript NM_014918.5 (MANE Select); coding-DNA position 1339, T replaced by C.
Protein change: p.Tyr447His; replaces tyrosine 447 with histidine.
Molecular consequence: missense variant.
Genome position (GRCh38, 1-based): chr15:101,178,458, A>G on the plus strand (T>C on the coding strand, the complement: CHSY1 is on the minus strand). VCF-style: chr15-101178458-A-G. GRCh37 (hg19) VCF-style: chr15-101718663-A-G.
Other names: short protein forms Y447H.
Identifiers: ClinVar variation 2114626 (VCV002114626.4), dbSNP rs2505672687, ClinGen allele CA393961118.
Genomic context (GRCh38, chr15:101,178,458, plus strand): 5'-CAGGGACCGTCATTTTCTTCCCTTTGTGCTTTTTGTACAGAAGCAGCAGGTCCAGGATGT[A>G]CTCAGCCCCATACATGGGGTTCACCCGGCGGTAGCCGTACTGGATCTCTTTGAAGTCAAT-3'
Protein context (NP_055733.2, residues 437-457): RRVNPMYGAE[Tyr447His]ILDLLLLYKK

ClinVar aggregate classification (germline): Uncertain significance (1 of 4 stars; one submission).

Conditions:
Temtamy preaxial brachydactyly syndrome (TPBS). Identifiers: Orphanet 363417, MedGen C1854466, MONDO:0011533, OMIM 605282.

Submission:

Labcorp Genetics (formerly Invitae), Labcorp
Classification: Uncertain significance for Temtamy preaxial brachydactyly syndrome. Last evaluated: 2025-07-28. Review status: criteria provided, single submitter. Criteria: Invitae Variant Classification Sherloc (09022015). Collection method: clinical testing. Allele origin: germline.
Comment: This sequence change replaces tyrosine, which is neutral and polar, with histidine, which is basic and polar, at codon 447 of the CHSY1 protein (p.Tyr447His). This variant is not present in population databases (gnomAD no frequency). This variant has not been reported in the literature in individuals affected with CHSY1-related conditions. ClinVar contains an entry for this variant (Variation ID: 2114626). Invitae Evidence Modeling of protein sequence and biophysical properties (such as structural, functional, and spatial information, amino acid conservation, physicochemical variation, residue mobility, and thermodynamic stability) indicates that this missense variant is expected to disrupt CHSY1 protein function with a positive predictive value of 80%. In summary, the available evidence is currently insufficient to determine the role of this variant in disease. Therefore, it has been classified as a Variant of Uncertain Significance.